The following is an entry in ClinVar:

NM_006231.4(POLE):c.1910C>A (p.Thr637Asn)

Gene: POLE (DNA polymerase epsilon, catalytic subunit; minus strand). Cytogenetic location: 12q24.33.
Variant type: single nucleotide variant.
Coding change: c.1910C>A on transcript NM_006231.4 (MANE Select); coding-DNA position 1910, C replaced by A.
Protein change: p.Thr637Asn; replaces threonine 637 with asparagine.
Molecular consequence: missense variant.
Genome position (GRCh38, 1-based): chr12:132,668,824, G>T on the plus strand (C>A on the coding strand, the complement: POLE is on the minus strand). VCF-style: chr12-132668824-G-T. GRCh37 (hg19) VCF-style: chr12-133245410-G-T.
Other names: short protein forms T637N.
Identifiers: ClinVar variation 3308415 (VCV003308415.1).

ClinVar aggregate classification (germline): Uncertain significance (1 of 4 stars; one submission).

Conditions:
Hereditary cancer-predisposing syndrome. Also called: Neoplastic Syndromes, Hereditary; Tumor predisposition; Hereditary neoplastic syndrome; Hereditary Cancer Syndrome. Identifiers: Orphanet 140162, MedGen C0027672, MeSH D009386, MONDO:0015356.

Submission:

Ambry Genetics
Classification: Uncertain significance for Hereditary cancer-predisposing syndrome. Last evaluated: 2024-05-14. Review status: criteria provided, single submitter. Criteria: Ambry Variant Classification Scheme 2023. Collection method: clinical testing. Allele origin: germline.
Comment: The p.T637N variant (also known as c.1910C>A), located in coding exon 17 of the POLE gene, results from a C to A substitution at nucleotide position 1910. The threonine at codon 637 is replaced by asparagine, an amino acid with similar properties. This amino acid position is conserved. In addition, this alteration is predicted to be tolerated by in silico analysis. Based on the available evidence, the clinical significance of this variant remains unclear.